The following continues an entry in ClinVar:

NM_007294.4(BRCA1):c.946A>G (p.Ser316Gly)

Gene: BRCA1. ClinVar aggregate classification (germline): Benign. Benign (1).

Submissions 15 to 18 of 18:

Counsyl
Classification: Uncertain significance for Breast-ovarian cancer, familial, susceptibility to, 1. Last evaluated: 2017-06-22. Review status: no assertion criteria provided. Collection method: clinical testing. Allele origin: unknown. Not counted in ClinVar's aggregate classification.

Sharing Clinical Reports Project (SCRP)
Classification: Benign for Breast-ovarian cancer, familial 1. Last evaluated: 2009-03-18. Review status: no assertion criteria provided. Collection method: clinical testing. Allele origin: germline. Not counted in ClinVar's aggregate classification.

Breast Cancer Information Core (BIC) (BRCA1)
Classification: Uncertain significance for Breast-ovarian cancer, familial 1. Last evaluated: 2002-05-29. Review status: no assertion criteria provided. Collection method: clinical testing. Allele origin: germline. Affected: yes. Observed: 6 variant alleles. Not counted in ClinVar's aggregate classification.

Department of Pathology and Laboratory Medicine, Sinai Health System
Classification: Likely benign for Malignant tumor of breast. Review status: no assertion criteria provided. Collection method: clinical testing. Allele origin: unknown. Affected: yes. Study: The Canadian Open Genetics Repository (COGR). Not counted in ClinVar's aggregate classification.
Comment: The p.Ser316Gly variant was identified at least once in a large cohort of 55630 individuals referred for BRCA1 mutation testing (Judkins 2005). The variant was also identified in dbSNP (ID: rs55874646) â€šÃ„ÃºWith non-pathogenic alleleâ€šÃ„Ã¹, LOVD, the BIC database (6X with unknown clinical importance), and in UMD (5X as a unclassified variant). In UMD the variant was listed twice as co-occurring with a pathogenic mutation in either BRCA1 or BRCA2 (BRCA1 c.3228 3229delAG (p.Gly1077AlafsX8) and BRCA2 c.6209 6212delAAAG (p.Glu2070ValfsX10)), increasing the likelihood that this variant does not have clinical significance. In addition, one in silico study suggests that the variant does not confer a high oncogenic risk (Burk-Herrick 2005). The variant was listed in the NHLBI Exome Sequencing Project with a frequency of 0.0002 in European American alleles, increasing the likelihood that this may be a low frequency benign variant in certain populations of origin. The p.Ser316 residue is conserved in mammals; however, computational analyses (PolyPhen-2, SIFT, AlignGVGD, BLOSUM) provide inconsistent predictions regarding the impact to the protein and this information is not very predictive of pathogenicity. In summary, based on the above information, the clinical significance of this variant cannot be determined with certainty at this time although we would lean towards a more benign role for this variant. This variant is classified as predicted benign.

Literature cited by the submitters: PubMed 31131967 (cited by Evidence-based Network for the Interpretation of Germline Mutant Alleles (ENIGMA) and Quest Diagnostics Nichols Institute San Juan Capistrano); PubMed 33471991 (cited by Quest Diagnostics Nichols Institute San Juan Capistrano); PubMed 32438681 (cited by Quest Diagnostics Nichols Institute San Juan Capistrano); PubMed 33087888 (cited by Quest Diagnostics Nichols Institute San Juan Capistrano); PubMed 26689913 (cited by 4 submitters); PubMed 26246475 (cited by 4 submitters); PubMed 18273839 (cited by 4 submitters); PubMed 34326862 (cited by Quest Diagnostics Nichols Institute San Juan Capistrano); PubMed 27062684 (cited by 3 submitters); PubMed 25479140 (cited by Quest Diagnostics Nichols Institute San Juan Capistrano and Counsyl); PubMed 24094589 (cited by 3 submitters); PubMed 15385441 (cited by Quest Diagnostics Nichols Institute San Juan Capistrano and Women's Health and Genetics/Laboratory Corporation of America, LabCorp); PubMed 16267036 (cited by 4 submitters); PubMed 16518693 (cited by 3 submitters); PubMed 23893897 (cited by Quest Diagnostics Nichols Institute San Juan Capistrano and Women's Health and Genetics/Laboratory Corporation of America, LabCorp); PubMed 18284688 (cited by 3 submitters); PubMed 28477318 (cited by Sema4).